The following is an entry in ClinVar:

ClinVar aggregate classification (germline): Likely benign (1 of 4 stars; one submission).

Conditions:
PCSK1-related disorder. Also called: PCSK1-related condition.

Submission:

PreventionGenetics, part of Exact Sciences
Classification: Likely benign for PCSK1-related condition. Last evaluated: 2026-04-14. Review status: criteria provided, single submitter. Criteria: ACMG Guidelines, 2015. Collection method: clinical testing. Allele origin: germline.
Comment: This variant is classified as likely benign based on ACMG/AMP sequence variant interpretation guidelines (Richards et al. 2015 PMID: 25741868, with internal and published modifications).

NM_000439.5(PCSK1):c.397-4C>T

Genes: CAST (calpastatin; plus strand), PCSK1 (proprotein convertase subtilisin/kexin type 1; minus strand), LOC101929710 (uncharacterized LOC101929710; plus strand). Cytogenetic location: 5q15.
Variant type: single nucleotide variant.
Coding change: c.397-4C>T on transcript NM_000439.5 (MANE Select); 4 bases into the intron before coding-DNA position 397, C replaced by T.
Molecular consequence: intron variant.
Genome position (GRCh38, 1-based): chr5:96,423,463, G>A on the plus strand (C>T on the coding strand, the complement: PCSK1 is on the minus strand). VCF-style: chr5-96423463-G-A. GRCh37 (hg19) VCF-style: chr5-95759167-G-A.
Other names: c.-175+43811G>A (NM_001423254.1, NM_001423259.1, NM_001423255.1 and 6 more transcripts); c.-103+43811G>A (NM_001423253.1); c.-40+43811G>A (NM_001423258.1); c.256-4C>T (NM_001177875.2).
Identifiers: ClinVar variation 4997758 (VCV004997758.1).
Genomic context (GRCh38, chr5:96,423,463, plus strand): 5'-AACAGGTATCACATGAAGGTCCAGCTTGGGCAGGGCTGCCGTCATCCTGGTATCTTGCTG[G>A]TAAAGAAAAACAACGAAGCATTGATAAAATTATCATTTGCTTGCTACAAAATGGGCACTT-3'